The following is an entry in ClinVar:

ClinVar aggregate classification (germline): Uncertain significance (1 of 4 stars; one submission).

Conditions:
Hereditary cancer-predisposing syndrome. Also called: Neoplastic Syndromes, Hereditary; Hereditary Cancer Syndrome; Tumor predisposition; Hereditary neoplastic syndrome. Identifiers: Orphanet 140162, MedGen C0027672, MeSH D009386, MONDO:0015356.

Allele frequency attached by ClinVar (database versions not stated): gnomAD exomes below 0.00001.
gnomAD v4.1: 1 of 1,550,064 alleles (0.000065%); highest among the groups gnomAD compares: East Asian, 0.0023%; no homozygotes.

Submission:

Labcorp Genetics (formerly Invitae), Labcorp
Classification: Uncertain significance for Hereditary cancer-predisposing syndrome. Last evaluated: 2021-11-17. Review status: criteria provided, single submitter. Criteria: Invitae Variant Classification Sherloc (09022015). Collection method: clinical testing. Allele origin: germline.
Comment: This variant has not been reported in the literature in individuals affected with RAD50-related conditions. This variant is present in population databases (no rsID available, gnomAD 0.006%). This sequence change falls in intron 8 of the RAD50 gene. It does not directly change the encoded amino acid sequence of the RAD50 protein. ClinVar contains an entry for this variant (Variation ID: 1037835). In summary, the available evidence is currently insufficient to determine the role of this variant in disease. Therefore, it has been classified as a Variant of Uncertain Significance. Algorithms developed to predict the effect of sequence changes on RNA splicing suggest that this variant may disrupt the consensus splice site.

NM_005732.4(RAD50):c.1246-9T>A

Gene: RAD50 (RAD50 double strand break repair protein; plus strand). Cytogenetic location: 5q31.1.
Variant type: single nucleotide variant.
Coding change: c.1246-9T>A on transcript NM_005732.4 (MANE Select); 9 bases into the intron before coding-DNA position 1246, T replaced by A.
Molecular consequence: intron variant.
Genome position (GRCh38, 1-based): chr5:132,589,622, T>A. VCF-style: chr5-132589622-T-A. GRCh37 (hg19) VCF-style: chr5-131925314-T-A.
Identifiers: ClinVar variation 1037835 (VCV001037835.7), dbSNP rs1487934390, ClinGen allele CA563057469.